The following is an entry in ClinVar:

NM_001271.4(CHD2):c.1809+1G>A

Gene: CHD2 (chromodomain helicase DNA binding protein 2; plus strand). Cytogenetic location: 15q26.1.
Variant type: single nucleotide variant.
Coding change: c.1809+1G>A on transcript NM_001271.4 (MANE Select); the canonical splice donor site of the intron after coding-DNA position 1809, G replaced by A.
Molecular consequence: splice donor variant.
Genome position (GRCh38, 1-based): chr15:92,955,513, G>A. VCF-style: chr15-92955513-G-A. GRCh37 (hg19) VCF-style: chr15-93498743-G-A.
Identifiers: ClinVar variation 379377 (VCV000379377.12), dbSNP rs1057520592, ClinGen allele CA16607196.

ClinVar aggregate classification (germline): Pathogenic/Likely pathogenic. Review status: criteria provided, multiple submitters, no conflicts (2 of 4 stars). 2 submissions from 2 submitters: Pathogenic (1); Likely pathogenic (1). Last evaluated 2020-01-16.

Conditions:
Developmental and epileptic encephalopathy 94 (DEE94). Also called: CHD2-Related Neurodevelopmental Disorders; Epileptic encephalopathy, childhood-onset. Identifiers: Orphanet 1942, Orphanet 2382, MedGen C3809278, MONDO:0014150, OMIM 615369.

Submissions (2):

Labcorp Genetics (formerly Invitae), Labcorp
Classification: Likely pathogenic for Developmental and epileptic encephalopathy 94. Last evaluated: 2020-01-16. Review status: criteria provided, single submitter. Criteria: Invitae Variant Classification Sherloc (09022015). Collection method: clinical testing. Allele origin: germline.
Comment: Algorithms developed to predict the effect of sequence changes on RNA splicing suggest that this variant may disrupt the consensus splice site, but this prediction has not been confirmed by published transcriptional studies. In summary, the currently available evidence indicates that the variant is pathogenic, but additional data are needed to prove that conclusively. Therefore, this variant has been classified as Likely Pathogenic. Donor and acceptor splice site variants typically lead to a loss of protein function (PMID: 16199547), and loss-of-function variants in CHD2 are known to be pathogenic (PMID: 23708187, 24207121). This variant has not been reported in the literature in individuals with CHD2-related conditions. ClinVar contains an entry for this variant (Variation ID: 379377). This variant is not present in population databases (ExAC no frequency). This sequence change affects a donor splice site in intron 15 of the CHD2 gene. It is expected to disrupt RNA splicing and likely results in an absent or disrupted protein product.

GeneDx
Classification: Pathogenic. Last evaluated: 2017-01-04. Review status: criteria provided, single submitter. Criteria: GeneDx Variant Classification (06012015). Collection method: clinical testing. Allele origin: germline. Affected: yes.
Comment: The c.1809+1G>A variant in the CHD2 gene has not been reported previously as a disease-causing variant nor as a benign variant, to our knowledge. This splice site variant destroys the canonical splice donor site in intron 15. It is predicted to cause abnormal gene splicing, either leading to an abnormal message that is subject to nonsense-mediated mRNA decay, or to an abnormal protein product if the message is used for protein translation. The c.1809+1G>A variant was not observed in approximately 6500 individuals of European and African American ancestry in the NHLBI Exome Sequencing Project, indicating it is not a common benign variant in these populations. We interpret c.1809+1G>A as a pathogenic variant.

Literature cited by the submitters: PubMed 16199547 (cited by Labcorp Genetics (formerly Invitae), Labcorp); PubMed 23708187 (cited by Labcorp Genetics (formerly Invitae), Labcorp); PubMed 24207121 (cited by Labcorp Genetics (formerly Invitae), Labcorp).